The following is an entry in ClinVar:

ClinVar aggregate classification (germline): Pathogenic (1 of 4 stars; one submission).

Conditions:
GNPTAB-mucolipidosis. Also called: UDP-N-acetylglucosamine-1-phosphotransferase subunit alpha/beta deficiency. Identifiers: MedGen CN322573, MONDO:0100122.

Submission:

Myriad Genetics, Inc.
Classification: Pathogenic for GNPTAB-mucolipidosis. Last evaluated: 2025-06-15. Review status: criteria provided, single submitter. Criteria: Myriad Autosomal Dominant, Autosomal Recessive and X-Linked Classification Criteria (2023). Collection method: clinical testing. Allele origin: unknown.
Comment: NM_024312.4(GNPTAB):c.237C>A(Y79*) is expected to be pathogenic in the context of GNPTAB-related disorders. This variant is predicted to lead to an abnormal or absent protein product due to the creation of a premature termination codon in GNPTAB, a gene where loss-of-function variants are known to be pathogenic. Please note: this variant was assessed in the context of healthy population screening.

NM_024312.5(GNPTAB):c.237C>A (p.Tyr79Ter)

Gene: GNPTAB (N-acetylglucosamine-1-phosphate transferase subunits alpha and beta; minus strand). Cytogenetic location: 12q23.2.
Variant type: single nucleotide variant.
Coding change: c.237C>A on transcript NM_024312.5 (MANE Select); coding-DNA position 237, C replaced by A.
Protein change: p.Tyr79Ter; replaces tyrosine 79 with a stop codon.
Molecular consequence: nonsense.
Genome position (GRCh38, 1-based): chr12:101,790,024, G>T on the plus strand (C>A on the coding strand, the complement: GNPTAB is on the minus strand). VCF-style: chr12-101790024-G-T. GRCh37 (hg19) VCF-style: chr12-102183802-G-T.
Other names: short protein forms Y79*.
Identifiers: ClinVar variation 5014605 (VCV005014605.1).